The following is an entry in ClinVar:

NM_004370.6(COL12A1):c.7223C>G (p.Thr2408Arg)

Genes: COL12A1 (collagen type XII alpha 1 chain; minus strand), LOC126859712 (MED14-independent group 3 enhancer GRCh37_chr6:75828643-75829842; plus strand). Cytogenetic location: 6q13.
Variant type: single nucleotide variant.
Coding change: c.7223C>G on transcript NM_004370.6 (MANE Select); coding-DNA position 7223, C replaced by G.
Protein change: p.Thr2408Arg; replaces threonine 2408 with arginine.
Molecular consequence: missense variant.
Genome position (GRCh38, 1-based): chr6:75,119,174, G>C on the plus strand (C>G on the coding strand, the complement: COL12A1 is on the minus strand). VCF-style: chr6-75119174-G-C. GRCh37 (hg19) VCF-style: chr6-75828890-G-C.
Other names: c.3731C>G, p.Thr1244Arg (NM_080645.3); short protein forms T2408R, T1244R.
Identifiers: ClinVar variation 664829 (VCV000664829.13), dbSNP rs141593495, ClinGen allele CA141013935.
Genomic context (GRCh38, chr6:75,119,174, plus strand): 5'-ACCTTAGGGACATTCTTCCTCATGCCGCTCTCCCAAGTCAAGACTTTCTCCTTGATAAAC[G>C]TGAGGGCCTTGCCTACAGAATGTGGCATGGAAAATTTTAGTGTCACTTCAGTGAAAACTA-3'
Protein context (NP_004361.3, residues 2398-2418): GGNTRTGKAL[Thr2408Arg]FIKEKVLTWE

ClinVar aggregate classification (germline): Uncertain significance. Review status: criteria provided, multiple submitters, no conflicts (2 of 4 stars). 4 submissions from 4 submitters: Uncertain significance (4). Last evaluated 2025-11-02.

Conditions:
Ullrich congenital muscular dystrophy 2 (UCMD2). Identifiers: Orphanet 75840, MedGen C4225314, MONDO:0014654, OMIM 616470.
Bethlem myopathy 2 (BTHLM2). Identifiers: Orphanet 536516, Orphanet 610, MedGen C4225313, MONDO:0034022, OMIM 616471.
COL12A1-related disorder. Also called: COL12A1-related condition.

gnomAD v4.1: 13 of 1,613,778 alleles (0.00081%); highest among the groups gnomAD compares: African/African-American, 0.0013%; no homozygotes.

Submissions (4):

Labcorp Genetics (formerly Invitae), Labcorp
Classification: Uncertain significance for Bethlem myopathy 2; Ullrich congenital muscular dystrophy 2. Last evaluated: 2025-11-02. Review status: criteria provided, single submitter. Criteria: Invitae Variant Classification Sherloc (09022015). Collection method: clinical testing. Allele origin: germline.
Comment: This sequence change replaces threonine, which is neutral and polar, with arginine, which is basic and polar, at codon 2408 of the COL12A1 protein (p.Thr2408Arg). This variant is present in population databases (no rsID available, gnomAD 0.0009%). This variant has not been reported in the literature in individuals affected with COL12A1-related conditions. ClinVar contains an entry for this variant (Variation ID: 664829). Invitae Evidence Modeling of protein sequence and biophysical properties (such as structural, functional, and spatial information, amino acid conservation, physicochemical variation, residue mobility, and thermodynamic stability) indicates that this missense variant is not expected to disrupt COL12A1 protein function with a negative predictive value of 80%. In summary, the available evidence is currently insufficient to determine the role of this variant in disease. Therefore, it has been classified as a Variant of Uncertain Significance.

PreventionGenetics, part of Exact Sciences
Classification: Uncertain significance for COL12A1-related condition. Last evaluated: 2025-07-22. Review status: criteria provided, single submitter. Criteria: ACMG Guidelines, 2015. Collection method: clinical testing. Allele origin: germline.
Comment: The COL12A1 c.7223C>G variant is predicted to result in the amino acid substitution p.Thr2408Arg. To our knowledge, this variant has not been reported in the literature. This variant is reported in 0.00089% of alleles in individuals of European (Non-Finnish) descent in gnomAD. At this time, the clinical significance of this variant is uncertain due to the absence of conclusive functional and genetic evidence.

Revvity Omics, Revvity
Classification: Uncertain significance. Last evaluated: 2021-10-08. Review status: criteria provided, single submitter. Criteria: ACMG Guidelines, 2015. Collection method: clinical testing. Allele origin: germline.

AiLife Diagnostics
Classification: Uncertain significance. Last evaluated: 2020-05-05. Review status: criteria provided, single submitter. Criteria: ACMG Guidelines, 2015. Collection method: clinical testing. Allele origin: germline. Affected: yes. Observed: 1 variant allele.